The following is an entry in ClinVar:

NM_021930.6(RINT1):c.448A>C (p.Ser150Arg)

Gene: RINT1 (RAD50 interactor 1; plus strand). Cytogenetic location: 7q22.3.
Variant type: single nucleotide variant.
Coding change: c.448A>C on transcript NM_021930.6 (MANE Select); coding-DNA position 448, A replaced by C.
Protein change: p.Ser150Arg; replaces serine 150 with arginine.
Molecular consequence: missense variant. On other transcripts: 5 prime UTR variant (3), non-coding transcript variant (1).
Genome position (GRCh38, 1-based): chr7:105,542,582, A>C. VCF-style: chr7-105542582-A-C. GRCh37 (hg19) VCF-style: chr7-105183029-A-C.
Other names: c.214A>C, p.Ser72Arg (NM_001346599.2); c.-572A>C (NM_001346600.2); c.-475A>C (NM_001346601.2); c.-95A>C (NM_001346603.2); short protein forms S150R, S72R.
Identifiers: ClinVar variation 656237 (VCV000656237.38), dbSNP rs780699445, ClinGen allele CA4426427.

ClinVar aggregate classification (germline): Conflicting classifications of pathogenicity. Review status: criteria provided, conflicting classifications (1 of 4 stars). 4 submissions from 4 submitters: Uncertain significance (3); Likely benign (1). Last evaluated 2025-08-27.

Conditions:
Hereditary breast ovarian cancer syndrome. Also called: Hereditary breast and ovarian cancer syndrome; Hereditary breast and ovarian cancer syndrome (HBOC); Hereditary breast and ovarian cancer; Hereditary breast and/or ovarian cancer syndrome; Breast and ovarian cancer; BRCA1- and BRCA2-Associated Hereditary Breast and Ovarian Cancer. Identifiers: Orphanet 145, MedGen C0677776, MeSH D061325, MONDO:0003582. Disease mechanism: loss of function.

Allele frequency attached by ClinVar (database versions not stated): gnomAD exomes 0.00001 and 0.00003; TOPMed 0.00003; ExAC 0.00004.

Submissions (4):

Ambry Genetics
Classification: Uncertain significance. Last evaluated: 2025-08-27. Review status: criteria provided, single submitter. Criteria: Ambry Variant Classification Scheme 2023. Collection method: clinical testing. Allele origin: germline.

CeGaT Center for Human Genetics Tuebingen
Classification: Likely benign. Last evaluated: 2023-09-01. Review status: criteria provided, single submitter. Criteria: CeGaT Center For Human Genetics Tuebingen Variant Classification Criteria Version 2. Collection method: clinical testing. Allele origin: germline. Affected: yes. Observed: 1 variant allele.
Comment: RINT1: BP4

Labcorp Genetics (formerly Invitae), Labcorp
Classification: Uncertain significance. Last evaluated: 2023-05-24. Review status: criteria provided, single submitter. Criteria: Invitae Variant Classification Sherloc (09022015). Collection method: clinical testing. Allele origin: germline.
Comment: This sequence change replaces serine, which is neutral and polar, with arginine, which is basic and polar, at codon 150 of the RINT1 protein (p.Ser150Arg). This variant is present in population databases (rs780699445, gnomAD 0.05%). This variant has not been reported in the literature in individuals affected with RINT1-related conditions. ClinVar contains an entry for this variant (Variation ID: 656237). An algorithm developed to predict the effect of missense changes on protein structure and function (PolyPhen-2) suggests that this variant is likely to be tolerated. In summary, the available evidence is currently insufficient to determine the role of this variant in disease. Therefore, it has been classified as a Variant of Uncertain Significance.

Cancer Genomics Group, Japanese Foundation For Cancer Research
Classification: Uncertain significance for Hereditary breast and ovarian cancer syndrome. Last evaluated: 2019-05-01. Review status: criteria provided, single submitter. Criteria: ACMG Guidelines, 2015. Collection method: research. Allele origin: germline. Affected: yes.